The following is an entry in ClinVar:

NM_000245.4(MET):c.2726T>C (p.Ile909Thr)

Gene: MET (MET proto-oncogene, receptor tyrosine kinase; plus strand). Cytogenetic location: 7q31.2.
Variant type: single nucleotide variant.
Coding change: c.2726T>C on transcript NM_000245.4 (MANE Select); coding-DNA position 2726, T replaced by C.
Protein change: p.Ile909Thr; replaces isoleucine 909 with threonine.
Molecular consequence: missense variant.
Genome position (GRCh38, 1-based): chr7:116,769,787, T>C. VCF-style: chr7-116769787-T-C. GRCh37 (hg19) VCF-style: chr7-116409841-T-C.
Other names: c.2780T>C, p.Ile927Thr (NM_001127500.3); c.2726T>C, p.Ile909Thr (NM_001324401.3); c.1436T>C, p.Ile479Thr (NM_001324402.2); short protein forms I927T, I479T, I909T.
Identifiers: ClinVar variation 4106803 (VCV004106803.1).

ClinVar aggregate classification (germline): Uncertain significance (1 of 4 stars; one submission).

Conditions:
Hereditary cancer-predisposing syndrome. Also called: Tumor predisposition; Neoplastic Syndromes, Hereditary; Hereditary neoplastic syndrome; Hereditary Cancer Syndrome. Identifiers: Orphanet 140162, MedGen C0027672, MeSH D009386, MONDO:0015356.

gnomAD v4.1: 1 of 1,613,710 alleles (0.000062%); highest among the groups gnomAD compares: Non-Finnish European, 0.000085%; no homozygotes.

Submission:

Ambry Genetics
Classification: Uncertain significance for Hereditary cancer-predisposing syndrome. Last evaluated: 2025-08-25. Review status: criteria provided, single submitter. Criteria: Ambry Variant Classification Scheme 2023. Collection method: clinical testing. Allele origin: germline.
Comment: The p.I927T variant (also known as c.2780T>C), located in coding exon 11 of the MET gene, results from a T to C substitution at nucleotide position 2780. The isoleucine at codon 927 is replaced by threonine, an amino acid with similar properties. This amino acid position is conserved. In addition, this alteration is predicted to be deleterious by in silico analysis. Based on the available evidence, the clinical significance of this variant remains unclear.